The following is an entry in ClinVar:

NM_182961.4(SYNE1):c.25120-3C>T

Gene: SYNE1 (spectrin repeat containing nuclear envelope protein 1; minus strand). Cytogenetic location: 6q25.2.
Variant type: single nucleotide variant.
Coding change: c.25120-3C>T on transcript NM_182961.4 (MANE Select); 3 bases into the intron before coding-DNA position 25120, C replaced by T.
Molecular consequence: intron variant.
Genome position (GRCh38, 1-based): chr6:152,141,332, G>A on the plus strand (C>T on the coding strand, the complement: SYNE1 is on the minus strand). VCF-style: chr6-152141332-G-A. GRCh37 (hg19) VCF-style: chr6-152462467-G-A.
Other names: c.24976-3C>T (NM_033071.5); c.1726-3C>T (NM_001347701.2); c.1654-3C>T (NM_001347702.2).
Identifiers: ClinVar variation 1426197 (VCV001426197.5), dbSNP rs749447242, ClinGen allele CA4052922.
Genomic context (GRCh38, chr6:152,141,332, plus strand): 5'-TGTGCTCCAGTCTCTTCACGGAGTCTATACTGCTACTGCATTCGCCCAGCAGTTTCATCT[G>A]TTTAGACATAAACAACCGGCCCCTGTCACCCAAATCTTCATGAGTGCAAAAGCTTCCGGG-3'

ClinVar aggregate classification (germline): Uncertain significance (1 of 4 stars; one submission).

Conditions:
Emery-Dreifuss muscular dystrophy 4, autosomal dominant (EDMD4). Also called: EMERY-DREIFUSS MUSCULAR DYSTROPHY 4 WITH VARIABLE FEATURES. Identifiers: Orphanet 261, MedGen C2751807, MONDO:0013071, OMIM 612998.
Autosomal recessive ataxia, Beauce type. Also called: Spinocerebellar ataxia, autosomal recessive 8; ATAXIA, RECESSIVE, OF BEAUCE; SYNE1 Deficiency; SYNE1-Related Autosomal Recessive Cerebellar Ataxia. Identifiers: Orphanet 88644, MedGen C1853116, MONDO:0012549, OMIM 610743.

Allele frequency attached by ClinVar (database versions not stated): ExAC 0.00001; gnomAD exomes 0.00001 and below 0.00001.
gnomAD v4.1: 13 of 1,613,542 alleles (0.00081%); highest among the groups gnomAD compares: Non-Finnish European, 0.001%; no homozygotes.

Submission:

Labcorp Genetics (formerly Invitae), Labcorp
Classification: Uncertain significance for Emery-Dreifuss muscular dystrophy 4, autosomal dominant; Autosomal recessive ataxia, Beauce type. Last evaluated: 2022-02-10. Review status: criteria provided, single submitter. Criteria: Invitae Variant Classification Sherloc (09022015). Collection method: clinical testing. Allele origin: germline.
Comment: In summary, the available evidence is currently insufficient to determine the role of this variant in disease. Therefore, it has been classified as a Variant of Uncertain Significance. Variants that disrupt the consensus splice site are a relatively common cause of aberrant splicing (PMID: 17576681, 9536098). Algorithms developed to predict the effect of sequence changes on RNA splicing suggest that this variant may disrupt the consensus splice site. This variant has not been reported in the literature in individuals affected with SYNE1-related conditions. This variant is present in population databases (rs749447242, gnomAD 0.0009%). This sequence change falls in intron 138 of the SYNE1 gene. It does not directly change the encoded amino acid sequence of the SYNE1 protein. It affects a nucleotide within the consensus splice site.

Literature cited by the submitters: PubMed 17576681; PubMed 9536098.